The following is an entry in ClinVar:

ClinVar aggregate classification (germline): Benign. Review status: criteria provided, multiple submitters, no conflicts (2 of 4 stars). 2 submissions from 2 submitters: Benign (2). Last evaluated 2026-01-28.

Submissions (2):

Women's Health and Genetics/Laboratory Corporation of America, LabCorp
Classification: Benign. Last evaluated: 2026-01-28. Review status: criteria provided, single submitter. Criteria: LabCorp Variant Classification Summary - May 2015. Collection method: clinical testing. Allele origin: germline.
Comment: Variant summary: CYBB c.484-15_484-14dupGT alters a nucleotide located at a position not widely known to affect splicing. Consensus agreement among computation tools predict no significant impact on normal splicing. However, these predictions have yet to be confirmed by functional studies. The variant allele was found at a frequency of 0.19 in 15161 control chromosomes, predominantly at a frequency of 0.23 within the African or African-American subpopulation in the gnomAD database, including 171 homozygotes. The observed variant frequency within African or African-American control individuals in the gnomAD database exceeds the estimated maximal expected allele frequency for disease-causing variants in CYBB. To our knowledge, no occurrence of c.484-15_484-14dupGT in individuals affected with CYBB-related conditions and no experimental evidence demonstrating its impact on protein function have been reported. ClinVar contains an entry for this variant (Variation ID: 1221718). Based on the evidence outlined above, the variant was classified as benign.

GeneDx
Classification: Benign. Last evaluated: 2020-09-01. Review status: criteria provided, single submitter. Criteria: GeneDx Variant Classification Process June 2021. Collection method: clinical testing. Allele origin: germline. Affected: yes.

NM_000397.4(CYBB):c.484-60TG[24]

Gene: CYBB (cytochrome b-245 beta chain; plus strand). Cytogenetic location: Xp21.1.
Variant type: Microsatellite.
Coding change: c.484-60TG[24] on transcript NM_000397.4 (MANE Select); 24 copies in a row of the 2-base unit TG starting at c.484-60.
Molecular consequence: intron variant.
Genome position: GRCh38 VCF-style: chrX-37795890-A-ATG. GRCh37 (hg19) VCF-style: chrX-37655143-A-ATG.
Other names: c.484-15_484-14dupGT (NM_000397.4).
Identifiers: ClinVar variation 1221718 (VCV001221718.4), dbSNP rs57325016, ClinGen allele CA328041143.